The following is an entry in ClinVar:

ClinVar aggregate classification (germline): Uncertain significance (1 of 4 stars; one submission).

Allele frequency attached by ClinVar (database versions not stated): TOPMed below 0.00001.

Submission:

Labcorp Genetics (formerly Invitae), Labcorp
Classification: Uncertain significance. Last evaluated: 2023-09-20. Review status: criteria provided, single submitter. Criteria: Invitae Variant Classification Sherloc (09022015). Collection method: clinical testing. Allele origin: germline.
Comment: This variant has not been reported in the literature in individuals affected with RP2-related conditions. This sequence change replaces valine, which is neutral and non-polar, with isoleucine, which is neutral and non-polar, at codon 308 of the RP2 protein (p.Val308Ile). This variant is not present in population databases (gnomAD no frequency). ClinVar contains an entry for this variant (Variation ID: 1044606). Advanced modeling of protein sequence and biophysical properties (such as structural, functional, and spatial information, amino acid conservation, physicochemical variation, residue mobility, and thermodynamic stability) has been performed at Invitae for this missense variant, however the output from this modeling did not meet the statistical confidence thresholds required to predict the impact of this variant on RP2 protein function. In summary, the available evidence is currently insufficient to determine the role of this variant in disease. Therefore, it has been classified as a Variant of Uncertain Significance.

NM_006915.3(RP2):c.922G>A (p.Val308Ile)

Gene: RP2 (RP2 activator of ARL3 GTPase; plus strand). Cytogenetic location: Xp11.3.
Variant type: single nucleotide variant.
Coding change: c.922G>A on transcript NM_006915.3 (MANE Select); coding-DNA position 922, G replaced by A.
Protein change: p.Val308Ile; replaces valine 308 with isoleucine.
Molecular consequence: missense variant.
Genome position (GRCh38, 1-based): chrX:46,877,543, G>A. VCF-style: chrX-46877543-G-A. GRCh37 (hg19) VCF-style: chrX-46736978-G-A.
Other names: short protein forms V308I.
Identifiers: ClinVar variation 1044606 (VCV001044606.8), dbSNP rs1925390879, ClinGen allele CA413036233.
Genomic context (GRCh38, chrX:46,877,543, plus strand): 5'-TGTTTCTTGGGTTTGCTTATAGGTCCTGTTATTGCCTTGGAGTTTAATGGGGATGGTGCT[G>A]TAGAAGTATGTCAACTTATTGTAAACGAGATATTCAATGGGACCAAGGTACAAGATTTTA-3'
Protein context (NP_008846.2, residues 298-318): IALEFNGDGA[Val308Ile]EVCQLIVNEI